The following is an entry in ClinVar:

ClinVar aggregate classification (germline): Uncertain significance (1 of 4 stars; one submission).

Submission:

Labcorp Genetics (formerly Invitae), Labcorp
Classification: Uncertain significance. Last evaluated: 2022-07-01. Review status: criteria provided, single submitter. Criteria: Invitae Variant Classification Sherloc (09022015). Collection method: clinical testing. Allele origin: germline.
Comment: In summary, the available evidence is currently insufficient to determine the role of this variant in disease. Therefore, it has been classified as a Variant of Uncertain Significance. Algorithms developed to predict the effect of missense changes on protein structure and function are either unavailable or do not agree on the potential impact of this missense change (SIFT: "Deleterious"; PolyPhen-2: "Not Available"; Align-GVGD: "Class C0"). This variant has not been reported in the literature in individuals affected with CLTC-related conditions. This variant is not present in population databases (gnomAD no frequency). This sequence change replaces histidine, which is basic and polar, with glutamine, which is neutral and polar, at codon 1283 of the CLTC protein (p.His1283Gln).

NM_004859.4(CLTC):c.3837T>G (p.His1279Gln)

Gene: CLTC (clathrin heavy chain; plus strand). Cytogenetic location: 17q23.1.
Variant type: single nucleotide variant.
Coding change: c.3837T>G on transcript NM_004859.4 (MANE Select); coding-DNA position 3837, T replaced by G.
Protein change: p.His1279Gln; replaces histidine 1279 with glutamine.
Molecular consequence: missense variant.
Genome position (GRCh38, 1-based): chr17:59,682,978, T>G. VCF-style: chr17-59682978-T-G. GRCh37 (hg19) VCF-style: chr17-57760339-T-G.
Other names: c.3849T>G, p.His1283Gln (NM_001288653.2); short protein forms H1279Q, H1283Q.
Identifiers: ClinVar variation 1998067 (VCV001998067.4), dbSNP rs2509153888, ClinGen allele CA400419268.